The following is an entry in ClinVar:

NM_000660.7(TGFB1):c.1145T>C (p.Met382Thr)

Gene: TGFB1 (transforming growth factor beta 1; minus strand). Cytogenetic location: 19q13.2.
Variant type: single nucleotide variant.
Coding change: c.1145T>C on transcript NM_000660.7 (MANE Select); coding-DNA position 1145, T replaced by C.
Protein change: p.Met382Thr; replaces methionine 382 with threonine.
Molecular consequence: missense variant.
Genome position (GRCh38, 1-based): chr19:41,331,080, A>G on the plus strand (T>C on the coding strand, the complement: TGFB1 is on the minus strand). VCF-style: chr19-41331080-A-G. GRCh37 (hg19) VCF-style: chr19-41836985-A-G.
Other names: c.1145T>C (NM_000660.4); short protein forms M382T.
Identifiers: ClinVar variation 1908752 (VCV001908752.6), dbSNP rs2037924031, ClinGen allele CA405997670.

ClinVar aggregate classification (germline): Uncertain significance. Review status: criteria provided, multiple submitters, no conflicts (2 of 4 stars). 2 submissions from 2 submitters: Uncertain significance (2). Last evaluated 2023-12-26.

Conditions:
Inborn genetic diseases. Identifiers: MedGen C0950123, MeSH D030342.

Allele frequency attached by ClinVar (database versions not stated): TOPMed below 0.00001; gnomAD 0.00001.

Submissions (2):

Ambry Genetics
Classification: Uncertain significance for Inborn genetic diseases. Last evaluated: 2023-12-26. Review status: criteria provided, single submitter. Criteria: Ambry Variant Classification Scheme 2023. Collection method: clinical testing. Allele origin: germline.

Labcorp Genetics (formerly Invitae), Labcorp
Classification: Uncertain significance. Last evaluated: 2023-11-28. Review status: criteria provided, single submitter. Criteria: Invitae Variant Classification Sherloc (09022015). Collection method: clinical testing. Allele origin: germline.
Comment: This sequence change replaces methionine, which is neutral and non-polar, with threonine, which is neutral and polar, at codon 382 of the TGFB1 protein (p.Met382Thr). This variant is not present in population databases (gnomAD no frequency). This variant has not been reported in the literature in individuals affected with TGFB1-related conditions. ClinVar contains an entry for this variant (Variation ID: 1908752). Advanced modeling of protein sequence and biophysical properties (such as structural, functional, and spatial information, amino acid conservation, physicochemical variation, residue mobility, and thermodynamic stability) performed at Invitae indicates that this missense variant is expected to disrupt TGFB1 protein function with a positive predictive value of 80%. In summary, the available evidence is currently insufficient to determine the role of this variant in disease. Therefore, it has been classified as a Variant of Uncertain Significance.